The following is an entry in ClinVar:

ClinVar aggregate classification (germline): Conflicting classifications of pathogenicity. Review status: criteria provided, conflicting classifications (1 of 4 stars). 6 submissions from 6 submitters: Uncertain significance (4); Likely benign (2). Last evaluated 2026-08-24.

Conditions:
Inborn genetic diseases. Identifiers: MedGen C0950123, MeSH D030342.
RAI1-related disorder. Also called: RAI1-related condition.

gnomAD v4.1: 29 of 1,614,008 alleles (0.0018%); highest among the groups gnomAD compares: Non-Finnish European, 0.002%; 1 homozygote.

Submissions (6):

PreventionGenetics, part of Exact Sciences
Classification: Uncertain significance for RAI1-related condition. Last evaluated: 2026-08-24. Review status: criteria provided, single submitter. Criteria: ACMG Guidelines, 2015. Collection method: clinical testing. Allele origin: germline.
Comment: The RAI1 c.4129G>A variant is predicted to result in the amino acid substitution p.Gly1377Arg. To our knowledge, this variant has not been reported in the literature. This variant is reported in 0.00088% of alleles in individuals of European (Non-Finnish) descent in gnomAD. At this time, the clinical significance of this variant is uncertain due to the absence of conclusive functional and genetic evidence.

CeGaT Center for Human Genetics Tuebingen
Classification: Likely benign. Last evaluated: 2026-03-01. Review status: criteria provided, single submitter. Criteria: CeGaT Center For Human Genetics Tuebingen Variant Classification Criteria Version 2. Collection method: clinical testing. Allele origin: germline. Affected: yes. Observed: 3 variant alleles.
Comment: RAI1: BP4, BS2

Labcorp Genetics (formerly Invitae), Labcorp
Classification: Uncertain significance. Last evaluated: 2025-09-24. Review status: criteria provided, single submitter. Criteria: Invitae Variant Classification Sherloc (09022015). Collection method: clinical testing. Allele origin: germline.
Comment: This sequence change replaces glycine, which is neutral and non-polar, with arginine, which is basic and polar, at codon 1377 of the RAI1 protein (p.Gly1377Arg). This variant is present in population databases (no rsID available, gnomAD 0.0009%). This variant has not been reported in the literature in individuals affected with RAI1-related conditions. ClinVar contains an entry for this variant (Variation ID: 1422959). Invitae Evidence Modeling of protein sequence and biophysical properties (such as structural, functional, and spatial information, amino acid conservation, physicochemical variation, residue mobility, and thermodynamic stability) indicates that this missense variant is not expected to disrupt RAI1 protein function with a negative predictive value of 80%. In summary, the available evidence is currently insufficient to determine the role of this variant in disease. Therefore, it has been classified as a Variant of Uncertain Significance.

Laboratory of Genetics, Children's Clinical University Hospital Latvia
Classification: Likely benign. Last evaluated: 2025-02-16. Review status: criteria provided, single submitter. Criteria: ACMG Guidelines, 2015. Collection method: clinical testing. Allele origin: germline. Affected: yes.

Ambry Genetics
Classification: Uncertain significance for Inborn genetic diseases. Last evaluated: 2021-09-16. Review status: criteria provided, single submitter. Criteria: Ambry Variant Classification Scheme 2023. Collection method: clinical testing. Allele origin: germline.

Blueprint Genetics
Classification: Uncertain significance. Last evaluated: 2020-03-03. Review status: criteria provided, single submitter. Criteria: ACMG Guidelines, 2015. Collection method: clinical testing. Allele origin: germline.

NM_030665.4(RAI1):c.4129G>A (p.Gly1377Arg)

Gene: RAI1 (retinoic acid induced 1; plus strand). Cytogenetic location: 17p11.2.
Variant type: single nucleotide variant.
Coding change: c.4129G>A on transcript NM_030665.4 (MANE Select); coding-DNA position 4129, G replaced by A.
Protein change: p.Gly1377Arg; replaces glycine 1377 with arginine.
Molecular consequence: missense variant.
Genome position (GRCh38, 1-based): chr17:17,797,077, G>A. VCF-style: chr17-17797077-G-A. GRCh37 (hg19) VCF-style: chr17-17700391-G-A.
Other names: c.4129G>A (NM_030665.3); short protein forms G1377R.
Identifiers: ClinVar variation 1422959 (VCV001422959.22), dbSNP rs767828696, ClinGen allele CA398555776.